The following is an entry in ClinVar:

NM_001040142.2(SCN2A):c.5924A>G (p.Tyr1975Cys)

Gene: SCN2A (sodium voltage-gated channel alpha subunit 2; plus strand). Cytogenetic location: 2q24.3.
Variant type: single nucleotide variant.
Coding change: c.5924A>G on transcript NM_001040142.2 (MANE Select); coding-DNA position 5924, A replaced by G.
Protein change: p.Tyr1975Cys; replaces tyrosine 1975 with cysteine.
Molecular consequence: missense variant.
Genome position (GRCh38, 1-based): chr2:165,389,730, A>G. VCF-style: chr2-165389730-A-G. GRCh37 (hg19) VCF-style: chr2-166246240-A-G.
Other names: c.5924A>G, p.Tyr1975Cys (NM_001040143.2, NM_001371246.1, NM_001371247.1 and 1 more transcripts); short protein forms Y1975C.
Identifiers: ClinVar variation 662786 (VCV000662786.12), dbSNP rs1574754722, ClinGen allele CA349041556.

ClinVar aggregate classification (germline): Uncertain significance. Review status: criteria provided, multiple submitters, no conflicts (2 of 4 stars). 2 submissions from 2 submitters: Uncertain significance (2). Last evaluated 2022-11-26.

Conditions:
Developmental and epileptic encephalopathy, 11 (DEE11). Also called: Early infantile epileptic encephalopathy 11. Identifiers: Orphanet 1934, MedGen C3150987, MONDO:0013388, OMIM 613721.
Seizures, benign familial infantile, 3 (BFIS3). Also called: Familial neonatal seizures; CONVULSIONS, BENIGN FAMILIAL INFANTILE, 3. Identifiers: Orphanet 140927, Orphanet 306, MedGen C1843140, MONDO:0011904, OMIM 607745.

Submissions (2):

Labcorp Genetics (formerly Invitae), Labcorp
Classification: Uncertain significance for Seizures, benign familial infantile, 3; Developmental and epileptic encephalopathy, 11. Last evaluated: 2022-11-26. Review status: criteria provided, single submitter. Criteria: Invitae Variant Classification Sherloc (09022015). Collection method: clinical testing. Allele origin: germline.
Comment: This variant has not been reported in the literature in individuals affected with SCN2A-related conditions. ClinVar contains an entry for this variant (Variation ID: 662786). Advanced modeling of protein sequence and biophysical properties (such as structural, functional, and spatial information, amino acid conservation, physicochemical variation, residue mobility, and thermodynamic stability) performed at Invitae indicates that this missense variant is expected to disrupt SCN2A protein function. In summary, the available evidence is currently insufficient to determine the role of this variant in disease. Therefore, it has been classified as a Variant of Uncertain Significance. This sequence change replaces tyrosine, which is neutral and polar, with cysteine, which is neutral and slightly polar, at codon 1975 of the SCN2A protein (p.Tyr1975Cys). This variant is not present in population databases (gnomAD no frequency).

CENTOGENE GmbH and LLC - Guiding Precision Medicine
Classification: Uncertain significance for Developmental and epileptic encephalopathy, 11. Last evaluated: 2018-12-29. Review status: criteria provided, single submitter. Criteria: ACMG Guidelines, 2015. Collection method: clinical testing. Allele origin: germline.